The following is an entry in ClinVar:

NM_020987.5(ANK3):c.2747C>T (p.Ser916Phe)

Gene: ANK3 (ankyrin 3; minus strand). Cytogenetic location: 10q21.2.
Variant type: single nucleotide variant.
Coding change: c.2747C>T on transcript NM_020987.5 (MANE Select); coding-DNA position 2747, C replaced by T.
Protein change: p.Ser916Phe; replaces serine 916 with phenylalanine.
Molecular consequence: missense variant.
Genome position (GRCh38, 1-based): chr10:60,134,365, G>A on the plus strand (C>T on the coding strand, the complement: ANK3 is on the minus strand). VCF-style: chr10-60134365-G-A. GRCh37 (hg19) VCF-style: chr10-61894123-G-A.
Other names: c.2747C>T (NM_020987.3); c.149C>T, p.Ser50Phe (NM_001149.4); c.2729C>T, p.Ser910Phe (NM_001204403.2); c.2750C>T, p.Ser917Phe (NM_001204404.2); c.2747C>T, p.Ser916Phe (NM_001320874.2); short protein forms S916F, S50F, S910F, S917F.
Identifiers: ClinVar variation 2073762 (VCV002073762.5), dbSNP rs750432488, ClinGen allele CA5512637.

ClinVar aggregate classification (germline): Uncertain significance. Review status: criteria provided, multiple submitters, no conflicts (2 of 4 stars). 2 submissions from 2 submitters: Uncertain significance (2). Last evaluated 2025-08-22.

Conditions:
Inborn genetic diseases. Identifiers: MedGen C0950123, MeSH D030342.

Allele frequency attached by ClinVar (database versions not stated): gnomAD 0.00001; TOPMed 0.00001; ExAC 0.00001.
gnomAD v4.1: 11 of 1,612,682 alleles (0.00068%); highest among the groups gnomAD compares: Admixed American, 0.0017%; no homozygotes.

Submissions (2):

Ambry Genetics
Classification: Uncertain significance for Inborn genetic diseases. Last evaluated: 2025-08-22. Review status: criteria provided, single submitter. Criteria: Ambry Variant Classification Scheme 2023. Collection method: clinical testing. Allele origin: germline.

Labcorp Genetics (formerly Invitae), Labcorp
Classification: Uncertain significance. Last evaluated: 2022-05-27. Review status: criteria provided, single submitter. Criteria: Invitae Variant Classification Sherloc (09022015). Collection method: clinical testing. Allele origin: germline.
Comment: In summary, the available evidence is currently insufficient to determine the role of this variant in disease. Therefore, it has been classified as a Variant of Uncertain Significance. Algorithms developed to predict the effect of missense changes on protein structure and function are either unavailable or do not agree on the potential impact of this missense change (SIFT: "Not Available"; PolyPhen-2: "Probably Damaging"; Align-GVGD: "Not Available"). This variant has not been reported in the literature in individuals affected with ANK3-related conditions. This variant is present in population databases (rs750432488, gnomAD 0.003%). This sequence change replaces serine, which is neutral and polar, with phenylalanine, which is neutral and non-polar, at codon 916 of the ANK3 protein (p.Ser916Phe).